The following is an entry in ClinVar:

NM_001130987.2(DYSF):c.3191G>A (p.Arg1064His)

Gene: DYSF (dysferlin; plus strand). Cytogenetic location: 2p13.2.
Variant type: single nucleotide variant.
Coding change: c.3191G>A on transcript NM_001130987.2 (MANE Select); coding-DNA position 3191, G replaced by A.
Protein change: p.Arg1064His; replaces arginine 1064 with histidine.
Molecular consequence: missense variant.
Genome position (GRCh38, 1-based): chr2:71,570,704, G>A. VCF-style: chr2-71570704-G-A. GRCh37 (hg19) VCF-style: chr2-71797834-G-A.
Other names: NM_001130987.2(DYSF):c.3191G>A; p.Arg1064His; c.[3137G>A] (NM_003494.3); c.3140G>A, p.Arg1047His (NM_001130455.2, NM_001130983.2); c.3095G>A, p.Arg1032His (NM_001130976.2, NM_001130977.2); c.3137G>A, p.Arg1046His (NM_001130978.2, NM_003494.4); c.3230G>A, p.Arg1077His (NM_001130979.2); c.3188G>A, p.Arg1063His (NM_001130980.2, NM_001130981.2); and 3 more; short protein forms R1046H, R1064H, R1033H, R1047H, R1078H, R1063H, R1032H, R1077H.
Identifiers: ClinVar variation 6675 (VCV000006675.39), dbSNP rs121908958, ClinGen allele CA222152.

ClinVar aggregate classification (germline): Pathogenic. Review status: reviewed by expert panel (3 of 4 stars). 14 submissions from 13 submitters: Pathogenic (1). 13 of the submissions do not count toward it. Last evaluated 2025-07-29.

Conditions:
DYSF-related disorder. Also called: DYSF-related disorders; DYSF-related condition.
Autosomal recessive limb-girdle muscular dystrophy. Identifiers: Orphanet 102015, MedGen C2931907, MONDO:0015152.
Neuromuscular disease caused by qualitative or quantitative defects of dysferlin. Also called: Dysferlinopathy; Qualitative or quantitative defects of dysferlin. Identifiers: Orphanet 207073, MedGen C2931687, MONDO:0016145.
Autosomal recessive limb-girdle muscular dystrophy type 2B (LGMDR2). Also called: MUSCULAR DYSTROPHY, LIMB-GIRDLE, TYPE 3; Limb-girdle muscular dystrophy, type 2B; Limb-Girdle Muscular Dystrophy Type 2B (LGMD2B); MUSCULAR DYSTROPHY, LIMB-GIRDLE, AUTOSOMAL RECESSIVE 2. Identifiers: Orphanet 268, MedGen C1850889, MONDO:0009676, OMIM 253601.
Distal myopathy with anterior tibial onset. Identifiers: Orphanet 178400, MedGen C1847532, MONDO:0011721, OMIM 606768.
Miyoshi muscular dystrophy 1 (MMD1). Identifiers: Orphanet 45448, MedGen C4551973, MONDO:0024545, OMIM 254130.

Allele frequency attached by ClinVar (database versions not stated): gnomAD exomes 0.00001 and 0.00002; TOPMed 0.00003; 1000 Genomes Project 30x 0.00031; gnomAD 0.00006 and 0.00007; ExAC 0.00003; 1000 Genomes Project 0.00040.
gnomAD v4.1: 24 of 1,614,016 alleles (0.0015%); highest among the groups gnomAD compares: Admixed American, 0.02%; no homozygotes.

Submissions 1 to 10 of 14:

ClinGen Limb Girdle Muscular Dystrophy Variant Curation Expert Panel, ClinGen
Classification: Pathogenic for Autosomal recessive limb-girdle muscular dystrophy. Last evaluated: 2025-07-29. Review status: reviewed by expert panel. Criteria: ClinGen LGMD VCEP ACMG Specifications DYSF V1.0.0. Collection method: curation. Allele origin: germline. Inheritance: Autosomal recessive inheritance.
Comment: The NM_003494.4: c.3137G>A variant in DYSF, which is also known as NM_001130987.2: c.3191G>A p.(Arg1064His), is a missense variant predicted to cause substitution of arginine by histidine at amino acid 1064, p.(Arg1046His). This variant has been identified in approximately 13 individuals with clinical features consistent with LGMD, including in a homozygous state in two patients without reported familial consanguinity (1.0 pt, PMID: 27647186, 34559919, 11468312), confirmed in trans with a pathogenic variant in at least one patient (NM_003494.4: c.3477C>A p.(Tyr1159Ter), 1.0 pt, PMID: 18853459, 16010686), and in unknown phase with a pathogenic variant in one patient (NM_003494.4: c.1375dup p.(Met459AsnfsTer15), 0.5 pts, PMID: 34559919, 27647186; LOVD Individual #00375899) (PM3_Strong). At least one individual with this variant and a second presumed diagnostic DYSF variant displayed progressive limb girdle muscle weakness and severely reduced or absent dysferlin protein expression in skeletal muscle, which is highly specific for DYSF-related LGMD (PMID: 25591676, 18853459; PP4_Strong). In addition, the variant co-segregated with the LGMD phenotype in one affected family member (PMID: 18853459; PP1). The filtering allele frequency (the upper threshold of the 95% CI of 3/44704 exome chromosomes) is 0.0001734 for the Admixed American population in gnomAD v4.1.0, which is higher than the ClinGen LGMD VCEP threshold (0.0001) for PM2_Supporting (PM2_Supporting not met). The computational predictor REVEL gives a score of 0.826, which is above the LGMD VCEP threshold of 0.70, evidence that correlates with impact to DYSF function (PP3). Immunofluorescence and 2-A assays of dysferlin membrane localization in HEK293T cells showed the Arg1046Cys protein did not reach the cell membrane, indicating an impact on protein function (PMID: 35028538) (PS3_Moderate). In summary, this variant meets the criteria to be classified as Pathogenic for autosomal recessive limb girdle muscular dystrophy based on the ACMG/AMP criteria applied, as specified by the ClinGen LGMD VCEP (LGMD VCEP specifications version 1.0.0; 07/29/2025): PM3_Strong, PP4_Strong, PP1, PP3, PS3_Moderate.

Labcorp Genetics (formerly Invitae), Labcorp
Classification: Pathogenic for Neuromuscular disease caused by qualitative or quantitative defects of dysferlin. Last evaluated: 2025-12-10. Review status: criteria provided, single submitter. Criteria: Invitae Variant Classification Sherloc (09022015). Collection method: clinical testing. Allele origin: germline. Not counted in ClinVar's aggregate classification.
Comment: This sequence change replaces arginine, which is basic and polar, with histidine, which is basic and polar, at codon 1046 of the DYSF protein (p.Arg1046His). This variant is present in population databases (rs121908958, gnomAD 0.01%). This missense change has been observed in individual(s) with Miyoshi myopathy (PMID: 11468312, 18853459, 25591676, 27647186). It has also been observed to segregate with disease in related individuals. ClinVar contains an entry for this variant (Variation ID: 6675). Invitae Evidence Modeling of protein sequence and biophysical properties (such as structural, functional, and spatial information, amino acid conservation, physicochemical variation, residue mobility, and thermodynamic stability) indicates that this missense variant is expected to disrupt DYSF protein function with a positive predictive value of 95%. For these reasons, this variant has been classified as Pathogenic.

Natera, Inc.
Classification: Pathogenic for Limb-girdle muscular dystrophy type 2B. Last evaluated: 2025-07-21. Review status: criteria provided, single submitter. Criteria: Natera Variant Classification Schema (03/2026). Collection method: clinical testing. Allele origin: germline. Not counted in ClinVar's aggregate classification.
Comment: The c.3137G>A variant in DYSF is a missense variant predicted to cause substitution of arginine to histidine at amino acid 1046. This variant is rare in the general population with a frequency below the threshold expected for the associated phenotype(s). This variant has been observed in one or more individuals affected with the associated recessive disease, as either homozygous or compound heterozygous with a second variant (PMID: 27647186, 18853459, 24488599, 11468312). Computational prediction algorithms indicate this variant is likely to affect gene or protein function. Given the available evidence, this variant is classified as Pathogenic.

PreventionGenetics, part of Exact Sciences
Classification: Pathogenic for DYSF-related condition. Last evaluated: 2025-04-30. Review status: criteria provided, single submitter. Criteria: ACMG Guidelines, 2015. Collection method: clinical testing. Allele origin: germline. Not counted in ClinVar's aggregate classification.
Comment: The DYSF c.3137G>A variant is predicted to result in the amino acid substitution p.Arg1046His. This variant has been reported to be causative for autosomal recessive Miyoshi myopathy in multiple individuals (Xi et al. 2014. PubMed ID: 25591676; Krahn et al. 2009. PubMed ID: 18853459; Aoki et al. 2001. PubMed ID: 11468312; Jin et al. 2016. PubMed ID: 27647186). This variant is reported in 0.011% of alleles in individuals of Latino descent in gnomAD. This variant is interpreted as pathogenic.

Baylor Genetics
Classification: Pathogenic for Miyoshi muscular dystrophy 1. Last evaluated: 2024-01-10. Review status: criteria provided, single submitter. Criteria: ACMG Guidelines, 2015. Collection method: clinical testing. Allele origin: unknown. Not counted in ClinVar's aggregate classification.

Blueprint Genetics
Classification: Pathogenic for DYSF-related disorders. Last evaluated: 2023-12-22. Review status: criteria provided, single submitter. Criteria: ACMG Guidelines, 2015. Collection method: clinical testing. Allele origin: germline. Affected: yes. Observed: 4 variant alleles. Not counted in ClinVar's aggregate classification.

Revvity Omics, Revvity
Classification: Pathogenic. Last evaluated: 2023-03-15. Review status: criteria provided, single submitter. Criteria: ACMG Guidelines, 2015. Collection method: clinical testing. Allele origin: germline. Not counted in ClinVar's aggregate classification.

Fulgent Genetics
Classification: Likely pathogenic for Autosomal recessive limb-girdle muscular dystrophy type 2B; Miyoshi muscular dystrophy 1; Distal myopathy with anterior tibial onset. Last evaluated: 2018-10-31. Review status: criteria provided, single submitter. Criteria: ACMG Guidelines, 2015. Collection method: clinical testing. Allele origin: unknown. Not counted in ClinVar's aggregate classification.

Eurofins Ntd Llc (ga)
Classification: Pathogenic. Last evaluated: 2016-09-13. Review status: criteria provided, single submitter. Criteria: EGL Classification Definitions. Collection method: clinical testing. Allele origin: germline. Observed: 8 variant alleles, 4 heterozygotes, 4 homozygotes. Not counted in ClinVar's aggregate classification.

Kasturba Medical College, Manipal, Kasturba Medical College, Manipal, Manipal Academy of Higher Education, Manipal, India
Classification: Likely pathogenic for Miyoshi muscular dystrophy 1. Review status: criteria provided, single submitter. Criteria: ACMG Guidelines, 2015. Collection method: research. Allele origin: unknown. Inheritance: Autosomal recessive inheritance. Affected: yes. Observed: 1 homozygote. Not counted in ClinVar's aggregate classification.
Comment: The father’s sample was not available for testing. The variant is present in 24 individuals in heterozygous state and absent in homozygous state in gnomAD (v4.1.0). This variant is absent in homozygous and/or homozygous state in our in-house database of 3274 exomes. In silico prediction tools (MutationTaster, CADD_phred, and REVEL) have predicted the variant to be damaging to DYSF protein function. Bi-allelic variants in DYSF gene are known to be associated with Miyoshi muscular dystrophy 1.